The following is an entry in ClinVar:

NM_014714.4(IFT140):c.2188T>G (p.Phe730Val)

Gene: IFT140 (intraflagellar transport 140; minus strand). Cytogenetic location: 16p13.3.
Variant type: single nucleotide variant.
Coding change: c.2188T>G on transcript NM_014714.4 (MANE Select); coding-DNA position 2188, T replaced by G.
Protein change: p.Phe730Val; replaces phenylalanine 730 with valine.
Molecular consequence: missense variant.
Genome position (GRCh38, 1-based): chr16:1,561,996, A>C on the plus strand (T>G on the coding strand, the complement: IFT140 is on the minus strand). VCF-style: chr16-1561996-A-C. GRCh37 (hg19) VCF-style: chr16-1611997-A-C.
Other names: short protein forms F730V.
Identifiers: ClinVar variation 4811612 (VCV004811612.1).

ClinVar aggregate classification (germline): Uncertain significance (1 of 4 stars; one submission).

Conditions:
Saldino-Mainzer syndrome (SRTD9). Also called: CONORENAL SYNDROME; Renal dysplasia, retinal pigmentary dystrophy, cerebellar ataxia and skeletal dysplasia; SHORT-RIB THORACIC DYSPLASIA 9 WITHOUT POLYDACTYLY; short-rib thoracic dysplasia 9 with or without polydactyly. Identifiers: Orphanet 140969, MedGen C1849437, MONDO:0009964, OMIM 266920.

gnomAD v4.1: 25 of 1,601,634 alleles (0.0016%); highest among the groups gnomAD compares: Non-Finnish European, 0.002%; no homozygotes.

Submission:

Labcorp Genetics (formerly Invitae), Labcorp
Classification: Uncertain significance for Saldino-Mainzer syndrome. Last evaluated: 2025-08-29. Review status: criteria provided, single submitter. Criteria: Invitae Variant Classification Sherloc (09022015). Collection method: clinical testing. Allele origin: germline.
Comment: This sequence change replaces phenylalanine, which is neutral and non-polar, with valine, which is neutral and non-polar, at codon 730 of the IFT140 protein (p.Phe730Val). This variant is present in population databases (no rsID available, gnomAD 0.002%). This variant has not been reported in the literature in individuals affected with IFT140-related conditions. Invitae Evidence Modeling of protein sequence and biophysical properties (such as structural, functional, and spatial information, amino acid conservation, physicochemical variation, residue mobility, and thermodynamic stability) indicates that this missense variant is not expected to disrupt IFT140 protein function with a negative predictive value of 80%. In summary, the available evidence is currently insufficient to determine the role of this variant in disease. Therefore, it has been classified as a Variant of Uncertain Significance.